The following is an entry in ClinVar:

NM_032119.4(ADGRV1):c.8237A>C (p.Asn2746Thr)

Gene: ADGRV1 (adhesion G protein-coupled receptor V1; plus strand). Cytogenetic location: 5q14.3.
Variant type: single nucleotide variant.
Coding change: c.8237A>C on transcript NM_032119.4 (MANE Select); coding-DNA position 8237, A replaced by C.
Protein change: p.Asn2746Thr; replaces asparagine 2746 with threonine.
Molecular consequence: missense variant. On other transcripts: non-coding transcript variant (1).
Genome position (GRCh38, 1-based): chr5:90,703,746, A>C. VCF-style: chr5-90703746-A-C. GRCh37 (hg19) VCF-style: chr5-89999563-A-C.
Other names: c.8237A>C (NM_032119.3); short protein forms N2746T.
Identifiers: ClinVar variation 1968593 (VCV001968593.4), dbSNP rs752349693, ClinGen allele CA3340200.
Genomic context (GRCh38, chr5:90,703,746, plus strand): 5'-TGATAAGAACTTTCCCTGGTCGAGGAAATGTTACTGTTAACTGGAAAATTATTGGGCAAA[A>C]TCTAGAACTCAATTTTGCTAACTTTAGCGGACAACTTTTCTTTCCTGAGGTAATACTGCA-3'
Protein context (NP_115495.3, residues 2736-2756): VTVNWKIIGQ[Asn2746Thr]LELNFANFSG

ClinVar aggregate classification (germline): Uncertain significance. Review status: criteria provided, multiple submitters, no conflicts (2 of 4 stars). 3 submissions from 3 submitters: Uncertain significance (3). Last evaluated 2026-09-09.

Conditions:
Inborn genetic diseases. Identifiers: MedGen C0950123, MeSH D030342.

Allele frequency attached by ClinVar (database versions not stated): gnomAD exomes 0.00001; TOPMed below 0.00001; ExAC 0.00001.

Submissions (3):

Ambry Genetics
Classification: Uncertain significance for Inborn genetic diseases. Last evaluated: 2026-09-09. Review status: criteria provided, single submitter. Criteria: Ambry Variant Classification Scheme 2023. Collection method: clinical testing. Allele origin: germline.

Blueprint Genetics
Classification: Uncertain significance. Last evaluated: 2023-06-15. Review status: criteria provided, single submitter. Criteria: ACMG Guidelines, 2015. Collection method: clinical testing. Allele origin: germline.

Labcorp Genetics (formerly Invitae), Labcorp
Classification: Uncertain significance. Last evaluated: 2022-02-12. Review status: criteria provided, single submitter. Criteria: Invitae Variant Classification Sherloc (09022015). Collection method: clinical testing. Allele origin: germline.
Comment: This sequence change replaces asparagine, which is neutral and polar, with threonine, which is neutral and polar, at codon 2746 of the ADGRV1 protein (p.Asn2746Thr). This variant is present in population databases (rs752349693, gnomAD 0.003%). This variant has not been reported in the literature in individuals affected with ADGRV1-related conditions. Algorithms developed to predict the effect of missense changes on protein structure and function are either unavailable or do not agree on the potential impact of this missense change (SIFT: "Tolerated"; PolyPhen-2: "Possibly Damaging"; Align-GVGD: "Class C0"). In summary, the available evidence is currently insufficient to determine the role of this variant in disease. Therefore, it has been classified as a Variant of Uncertain Significance.